The following is an entry in ClinVar:

ClinVar aggregate classification (germline): Uncertain significance (1 of 4 stars; one submission).

gnomAD v4.1: 5 of 1,584,914 alleles (0.00032%); highest among the groups gnomAD compares: Non-Finnish European, 0.00043%; no homozygotes.

Submission:

Labcorp Genetics (formerly Invitae), Labcorp
Classification: Uncertain significance. Last evaluated: 2025-06-09. Review status: criteria provided, single submitter. Criteria: Invitae Variant Classification Sherloc (09022015). Collection method: clinical testing. Allele origin: germline.
Comment: This sequence change replaces arginine, which is basic and polar, with glutamine, which is neutral and polar, at codon 2912 of the DCHS1 protein (p.Arg2912Gln). This variant is not present in population databases (gnomAD no frequency). This variant has not been reported in the literature in individuals affected with DCHS1-related conditions. An algorithm developed to predict the effect of missense changes on protein structure and function (PolyPhen-2) suggests that this variant is likely to be disruptive. In summary, the available evidence is currently insufficient to determine the role of this variant in disease. Therefore, it has been classified as a Variant of Uncertain Significance.

NM_003737.4(DCHS1):c.8735G>A (p.Arg2912Gln)

Gene: DCHS1 (dachsous cadherin-related 1; minus strand). Cytogenetic location: 11p15.4.
Variant type: single nucleotide variant.
Coding change: c.8735G>A on transcript NM_003737.4 (MANE Select); coding-DNA position 8735, G replaced by A.
Protein change: p.Arg2912Gln; replaces arginine 2912 with glutamine.
Molecular consequence: missense variant.
Genome position (GRCh38, 1-based): chr11:6,622,941, C>T on the plus strand (G>A on the coding strand, the complement: DCHS1 is on the minus strand). VCF-style: chr11-6622941-C-T. GRCh37 (hg19) VCF-style: chr11-6644172-C-T.
Other names: short protein forms R2912Q.
Identifiers: ClinVar variation 4773392 (VCV004773392.1).